The following is an entry in ClinVar:

ClinVar aggregate classification (germline): Uncertain significance (1 of 4 stars; one submission).

Conditions:
Familial cancer of breast. Also called: hereditary breast carcinoma; BREAST CANCER, FAMILIAL; Hereditary breast cancer. Identifiers: Orphanet 227535, MedGen C0346153, MONDO:0016419, OMIM 114480. Disease mechanism: loss of function.

Submission:

Labcorp Genetics (formerly Invitae), Labcorp
Classification: Uncertain significance for Familial cancer of breast. Last evaluated: 2024-04-18. Review status: criteria provided, single submitter. Criteria: Invitae Variant Classification Sherloc (09022015). Collection method: clinical testing. Allele origin: germline.
Comment: This sequence change replaces glutamic acid, which is acidic and polar, with lysine, which is basic and polar, at codon 632 of the PALB2 protein (p.Glu632Lys). This variant is not present in population databases (gnomAD no frequency). This variant has not been reported in the literature in individuals affected with PALB2-related conditions. Advanced modeling of protein sequence and biophysical properties (such as structural, functional, and spatial information, amino acid conservation, physicochemical variation, residue mobility, and thermodynamic stability) performed at Invitae indicates that this missense variant is not expected to disrupt PALB2 protein function with a negative predictive value of 80%. In summary, the available evidence is currently insufficient to determine the role of this variant in disease. Therefore, it has been classified as a Variant of Uncertain Significance.

NM_024675.4(PALB2):c.1894G>A (p.Glu632Lys)

Gene: PALB2 (partner and localizer of BRCA2; minus strand). Cytogenetic location: 16p12.2.
Variant type: single nucleotide variant.
Coding change: c.1894G>A on transcript NM_024675.4 (MANE Select); coding-DNA position 1894, G replaced by A.
Protein change: p.Glu632Lys; replaces glutamic acid 632 with lysine.
Molecular consequence: missense variant. On other transcripts: intron variant (1).
Genome position (GRCh38, 1-based): chr16:23,630,260, C>T on the plus strand (G>A on the coding strand, the complement: PALB2 is on the minus strand). VCF-style: chr16-23630260-C-T. GRCh37 (hg19) VCF-style: chr16-23641581-C-T.
Other names: c.1009G>A, p.Glu337Lys (NM_001407307.1, NM_001407308.1, NM_001407309.1 and 5 more transcripts); c.106G>A, p.Glu36Lys (NM_001407313.1, NM_001407312.1); c.49-985G>A (NM_001407314.1); c.1834G>A, p.Glu612Lys (NM_001407296.1); c.1894G>A, p.Glu632Lys (NM_001407297.1, NM_001407298.1, NM_001407299.1 and 3 more transcripts); short protein forms E337K, E632K, E36K, E612K.
Identifiers: ClinVar variation 3650318 (VCV003650318.2).